The following is an entry in ClinVar:

NM_032242.4(PLXNA1):c.1362T>C (p.Ser454=)

Gene: PLXNA1 (plexin A1; plus strand). Cytogenetic location: 3q21.3.
Variant type: single nucleotide variant.
Coding change: c.1362T>C on transcript NM_032242.4 (MANE Select); coding-DNA position 1362, T replaced by C.
Protein change: p.Ser454=; no amino-acid change (serine 454 retained).
Molecular consequence: synonymous variant.
Genome position (GRCh38, 1-based): chr3:126,991,551, T>C. VCF-style: chr3-126991551-T-C. GRCh37 (hg19) VCF-style: chr3-126710394-T-C.
Identifiers: ClinVar variation 3054014 (VCV003054014.2), dbSNP rs775711150, ClinGen allele CA2593204.

ClinVar aggregate classification (germline): Likely benign (0 of 4 stars; one submission).

Conditions:
PLXNA1-related disorder. Also called: PLXNA1-related condition.

Allele frequency attached by ClinVar (database versions not stated): gnomAD 0.00002; gnomAD exomes 0.00002; ExAC 0.00003; TOPMed 0.00006.
gnomAD v4.1: 30 of 1,579,856 alleles (0.0019%); highest among the groups gnomAD compares: Admixed American, 0.019%; no homozygotes.

Submission:

PreventionGenetics, part of Exact Sciences
Classification: Likely benign for PLXNA1-related condition. Last evaluated: 2023-07-14. Review status: no assertion criteria provided. Collection method: clinical testing. Allele origin: germline.
Comment: This variant is classified as likely benign based on ACMG/AMP sequence variant interpretation guidelines (Richards et al. 2015 PMID: 25741868, with internal and published modifications).